The following is an entry in ClinVar:

NM_000538.4(RFXAP):c.601-2A>T

Gene: RFXAP (regulatory factor X associated protein; plus strand). Cytogenetic location: 13q13.3.
Variant type: single nucleotide variant.
Coding change: c.601-2A>T on transcript NM_000538.4 (MANE Select); the canonical splice acceptor site of the intron before coding-DNA position 601, A replaced by T.
Molecular consequence: splice acceptor variant.
Genome position (GRCh38, 1-based): chr13:36,825,426, A>T. VCF-style: chr13-36825426-A-T. GRCh37 (hg19) VCF-style: chr13-37399563-A-T.
Identifiers: ClinVar variation 4804483 (VCV004804483.1).

ClinVar aggregate classification (germline): Likely pathogenic (1 of 4 stars; one submission).

Conditions:
MHC class II deficiency. Also called: BLS, TYPE II; Bare lymphocyte syndrome 2. Identifiers: Orphanet 572, MedGen C5447452, MONDO:0008855.

gnomAD v4.1: 1 of 1,604,562 alleles (0.000062%); highest among the groups gnomAD compares: Non-Finnish European, 0.000085%; no homozygotes.

Submission:

Labcorp Genetics (formerly Invitae), Labcorp
Classification: Likely pathogenic for MHC class II deficiency. Last evaluated: 2025-12-24. Review status: criteria provided, single submitter. Criteria: Invitae Variant Classification Sherloc (09022015). Collection method: clinical testing. Allele origin: germline.
Comment: This sequence change affects an acceptor splice site in intron 1 of the RFXAP gene. It is expected to disrupt RNA splicing. Variants that disrupt the donor or acceptor splice site typically lead to a loss of protein function (PMID: 16199547), and loss-of-function variants in RFXAP are known to be pathogenic (PMID: 9118943, 22390233). This variant is not present in population databases (gnomAD no frequency). This variant has not been reported in the literature in individuals affected with RFXAP-related conditions. Algorithms developed to predict the effect of sequence changes on RNA splicing suggest that this variant may disrupt the consensus splice site. In summary, the currently available evidence indicates that the variant is pathogenic, but additional data are needed to prove that conclusively. Therefore, this variant has been classified as Likely Pathogenic.

Literature cited by the submitters: PubMed 16199547; PubMed 9118943; PubMed 22390233.